The following is an entry in ClinVar:

NM_001100913.3(PACS2):c.2707A>G (p.Thr903Ala)

Gene: PACS2 (phosphofurin acidic cluster sorting protein 2; plus strand). Cytogenetic location: 14q32.33.
Variant type: single nucleotide variant.
Coding change: c.2707A>G on transcript NM_001100913.3 (MANE Select); coding-DNA position 2707, A replaced by G.
Protein change: p.Thr903Ala; replaces threonine 903 with alanine.
Molecular consequence: missense variant.
Genome position (GRCh38, 1-based): chr14:105,394,664, A>G. VCF-style: chr14-105394664-A-G. GRCh37 (hg19) VCF-style: chr14-105861001-A-G.
Other names: c.2437A>G, p.Thr813Ala (NM_001243127.3); c.2662A>G, p.Thr888Ala (NM_015197.4); short protein forms T813A, T903A, T888A.
Identifiers: ClinVar variation 3671939 (VCV003671939.2).
Genomic context (GRCh38, chr14:105,394,664, plus strand): 5'-GCGCAGTGGTCCTCGCACGTGAAGCACTTCCCCATCTGCATCTTCGGACACTCCAAGGCC[A>G]CCTTCTAGCCCCACCCACCAGGGGGCCCACCTCCTGCCCCATGCTGTGAGGGGCCCAGCT-3'
Protein context (NP_001094383.2, residues 893-904): PICIFGHSKA[Thr903Ala]F

ClinVar aggregate classification (germline): Uncertain significance (1 of 4 stars; one submission).

Submission:

Labcorp Genetics (formerly Invitae), Labcorp
Classification: Uncertain significance. Last evaluated: 2025-01-19. Review status: criteria provided, single submitter. Criteria: Invitae Variant Classification Sherloc (09022015). Collection method: clinical testing. Allele origin: germline.
Comment: This sequence change replaces threonine, which is neutral and polar, with alanine, which is neutral and non-polar, at codon 903 of the PACS2 protein (p.Thr903Ala). This variant is not present in population databases (gnomAD no frequency). This variant has not been reported in the literature in individuals affected with PACS2-related conditions. An algorithm developed to predict the effect of missense changes on protein structure and function outputs the following: PolyPhen-2: "Benign". The alanine amino acid residue is found in multiple mammalian species, which suggests that this missense change does not adversely affect protein function. In summary, the available evidence is currently insufficient to determine the role of this variant in disease. Therefore, it has been classified as a Variant of Uncertain Significance.